The following is an entry in ClinVar:

ClinVar aggregate classification (germline): Pathogenic/Likely pathogenic. Review status: criteria provided, multiple submitters, no conflicts (2 of 4 stars). 2 submissions from 2 submitters: Pathogenic (1); Likely pathogenic (1). Last evaluated 2024-12-18.

Conditions:
Retinitis pigmentosa 3. Also called: CHOROIDORETINAL DEGENERATION WITH RETINAL REFLEX IN HETEROZYGOUS WOMEN. Identifiers: Orphanet 791, MedGen C1845667, MONDO:0010227, OMIM 300029.

Submissions (2):

GeneDx
Classification: Pathogenic. Last evaluated: 2024-12-18. Review status: criteria provided, single submitter. Criteria: GeneDx Variant Classification Process June 2021. Collection method: clinical testing. Allele origin: germline. Affected: yes.
Comment: Frameshift variant predicted to result in protein truncation in a gene for which loss of function is a known mechanism of disease; Not observed at significant frequency in large population cohorts (gnomAD); This variant is associated with the following publications: (PMID: 33608557, 21683121, 34321860)

3billion
Classification: Likely pathogenic for Retinitis pigmentosa 3. Last evaluated: 2022-05-22. Review status: criteria provided, single submitter. Criteria: ACMG Guidelines, 2015. Collection method: clinical testing. Allele origin: germline. Affected: yes. Observed: 1 heterozygote.
Comment: The variant is not observed in the gnomAD v2.1.1 dataset. Frameshift: predicted to result in a loss or disruption of normal protein function through protein truncation. The predicted truncated protein may be shortened by more than 10%. Therefore, this variant is classified as likely pathogenic according to the recommendation of ACMG/AMP guideline.

NM_001034853.2(RPGR):c.2237_2238del (p.Glu746fs)

Gene: RPGR (retinitis pigmentosa GTPase regulator; minus strand). Cytogenetic location: Xp11.4.
Variant type: Deletion.
Coding change: c.2237_2238del on transcript NM_001034853.2 (MANE Select); coding-DNA positions 2237 to 2238, 2 bases deleted (AA; older notation c.2237_2238delAA).
Protein change: p.Glu746fs; shifts the reading frame from glutamic acid 746.
Molecular consequence: frameshift variant. On other transcripts: intron variant (8).
Genome position (GRCh38, 1-based): chrX:38,286,761-38,286,762, TT deleted on the plus strand (AA on the coding strand, the reverse complement: RPGR is on the minus strand). VCF-style (leftmost placement, unchanged base first): chrX-38286760-CTT-C. GRCh37 (hg19) VCF-style: chrX-38146013-CTT-C.
Other names: c.1569+4197_1569+4198del (NM_001367249.1, NM_001367250.1); c.1902+332_1902+333del (NM_001367245.1); c.1386+4197_1386+4198del (NM_001367251.1); c.1719+332_1719+333del (NM_001367246.1); c.1572+4197_1572+4198del (NM_001367247.1); c.1905+332_1905+333del (NM_000328.3); c.1602+4197_1602+4198del (NM_001367248.1); c.2237_2238del (NM_001034853.1); short protein forms E746fs.
Identifiers: ClinVar variation 1687189 (VCV001687189.2), dbSNP rs2147199015, ClinGen allele CA2573158778.